The following is an entry in ClinVar:

ClinVar aggregate classification (germline): Benign/Likely benign. Review status: criteria provided, multiple submitters, no conflicts (2 of 4 stars). 5 submissions from 5 submitters: Benign (3); Likely benign (1). 1 of the submissions does not count toward it. Last evaluated 2026-01-15.

Conditions:
KARS1-related disorder. Also called: KARS1-related disorders.

Allele frequency attached by ClinVar (database versions not stated): gnomAD 0.00010 and 0.00017; gnomAD exomes 0.00024 and 0.00051; TOPMed 0.00027; 1000 Genomes Project 30x 0.00031; 1000 Genomes Project 0.00040; ExAC 0.00057.
gnomAD v4.1: 377 of 1,614,168 alleles (0.023%); highest among the groups gnomAD compares: East Asian, 0.81%; 1 homozygote.

Submissions (5):

Labcorp Genetics (formerly Invitae), Labcorp
Classification: Benign. Last evaluated: 2026-01-15. Review status: criteria provided, single submitter. Criteria: Invitae Variant Classification Sherloc (09022015). Collection method: clinical testing. Allele origin: germline.

Blueprint Genetics
Classification: Likely benign. Last evaluated: 2024-07-03. Review status: criteria provided, single submitter. Criteria: ACMG Guidelines, 2015. Collection method: clinical testing. Allele origin: germline.

GeneDx
Classification: Benign. Last evaluated: 2021-03-08. Review status: criteria provided, single submitter. Criteria: GeneDx Variant Classification Process June 2021. Collection method: clinical testing. Allele origin: germline. Affected: yes.

Breakthrough Genomics
Classification: Benign. Review status: criteria provided, single submitter. Criteria: ACMG Guidelines, 2015. Collection method: not provided. Allele origin: germline. Inheritance: Autosomal recessive inheritance. Affected: yes.

PreventionGenetics, part of Exact Sciences
Classification: Likely benign for KARS1-related condition. Last evaluated: 2019-04-25. Review status: no assertion criteria provided. Collection method: clinical testing. Allele origin: germline. Not counted in ClinVar's aggregate classification.
Comment: This variant is classified as likely benign based on ACMG/AMP sequence variant interpretation guidelines (Richards et al. 2015 PMID: 25741868, with internal and published modifications).

NM_005548.3(KARS1):c.1161C>T (p.Phe387=)

Gene: KARS1 (lysyl-tRNA synthetase 1; minus strand). Cytogenetic location: 16q23.1.
Variant type: single nucleotide variant.
Coding change: c.1161C>T on transcript NM_005548.3 (MANE Select); coding-DNA position 1161, C replaced by T.
Protein change: p.Phe387=; no amino-acid change (phenylalanine 387 retained).
Molecular consequence: synonymous variant.
Genome position (GRCh38, 1-based): chr16:75,631,507, G>A on the plus strand (C>T on the coding strand, the complement: KARS1 is on the minus strand). VCF-style: chr16-75631507-G-A. GRCh37 (hg19) VCF-style: chr16-75665405-G-A.
Other names: c.1245C>T, p.Phe415= (NM_001130089.2); c.693C>T, p.Phe231= (NM_001378148.1).
Identifiers: ClinVar variation 746153 (VCV000746153.15), dbSNP rs560091813, ClinGen allele CA8177371.
Genomic context (GRCh38, chr16:75,631,507, plus strand): 5'-CTTCATCCCCAGGGCTTTCTCAAGCTCTTCTACCATGTTGATTCGCCGGAAGGGTGGGGT[G>A]AAGTCAACATCGTAGGCTTGGCCCTCTGGGCCATCTGGGTGGTAGGTGACCTTGTAACTG-3'
Protein context (NP_005539.1, residues 377-397): GPEGQAYDVD[Phe387=]TPPFRRINMV